The following is an entry in ClinVar:

ClinVar aggregate classification (germline): Uncertain significance (1 of 4 stars; one submission).

Submission:

Ambry Genetics
Classification: Uncertain significance. Last evaluated: 2021-12-04. Review status: criteria provided, single submitter. Criteria: Ambry Variant Classification Scheme 2023. Collection method: clinical testing. Allele origin: germline.
Comment: The p.V2558A variant (also known as c.7673T>C), located in coding exon 30 of the POLQ gene, results from a T to C substitution at nucleotide position 7673. The valine at codon 2558 is replaced by alanine, an amino acid with similar properties. This amino acid position is conserved. In addition, this alteration is predicted to be deleterious by in silico analysis. Since supporting evidence is limited at this time, the clinical significance of this alteration remains unclear.

NM_199420.4(POLQ):c.7673T>C (p.Val2558Ala)

Gene: POLQ (DNA polymerase theta; minus strand). Cytogenetic location: 3q13.33.
Variant type: single nucleotide variant.
Coding change: c.7673T>C on transcript NM_199420.4 (MANE Select); coding-DNA position 7673, T replaced by C.
Protein change: p.Val2558Ala; replaces valine 2558 with alanine.
Molecular consequence: missense variant.
Genome position (GRCh38, 1-based): chr3:121,432,404, A>G on the plus strand (T>C on the coding strand, the complement: POLQ is on the minus strand). VCF-style: chr3-121432404-A-G. GRCh37 (hg19) VCF-style: chr3-121151251-A-G.
Other names: short protein forms V2558A.
Identifiers: ClinVar variation 1760088 (VCV001760088.2), dbSNP rs2546744401, ClinGen allele CA354093242.
Genomic context (GRCh38, chr3:121,432,404, plus strand): 5'-ATTTTCACTTTCACTTTCAATTTCACAGACAGTTTTACAGCACTTTCCATTTCATTCTTG[A>G]CAATCTGAGCTACCTAAGGAAAAAAAAAATGTAGTTAACAAACTGCCCAGTCAAAGAATG-3'
Protein context (NP_955452.3, residues 2548-2568): EEDVVQVAQI[Val2558Ala]KNEMESAVKL